The following is an entry in ClinVar:

ClinVar aggregate classification (germline): Benign. Review status: criteria provided, multiple submitters, no conflicts (2 of 4 stars). 2 submissions from 2 submitters: Benign (2). Last evaluated 2018-06-16.

Allele frequency attached by ClinVar (database versions not stated): 1000 Genomes Project 30x 0.96814; TOPMed 0.96922; gnomAD 0.97012 and 0.97227; 1000 Genomes Project 0.97025; gnomAD exomes 0.99681.
gnomAD v4.1: 896,145 of 902,870 alleles (99%); highest among the groups gnomAD compares: East Asian, 100%; 445,012 homozygotes.

Submissions (5):

GeneDx
Classification: Benign. Last evaluated: 2018-06-16. Review status: criteria provided, single submitter. Criteria: GeneDx Variant Classification (06012015). Collection method: clinical testing. Allele origin: germline. Affected: yes.
Comment: This variant is considered likely benign or benign based on one or more of the following criteria: it is a conservative change, it occurs at a poorly conserved position in the protein, it is predicted to be benign by multiple in silico algorithms, and/or has population frequency not consistent with disease.

Breakthrough Genomics
Classification: Benign. Review status: criteria provided, single submitter. Criteria: ACMG Guidelines, 2015. Collection method: not provided. Allele origin: germline. Inheritance: Autosomal recessive inheritance. Affected: yes.

Dr. Peter K. Rogan Lab, Western University
No classification provided (evidence only). Condition: Familial cancer of breast. Review status: no classification provided. Collection method: in vitro. Allele origin: not applicable. Functional consequence: retained intron. Not counted in ClinVar's aggregate classification.

Dr. Peter K. Rogan Lab, Western University
No classification provided (evidence only). Condition: Thymoma. Review status: no classification provided. Collection method: in vitro. Allele origin: not applicable. Functional consequence: retained intron. Not counted in ClinVar's aggregate classification.

Dr. Peter K. Rogan Lab, Western University
No classification provided (evidence only). Condition: Uterine carcinosarcoma. Review status: no classification provided. Collection method: in vitro. Allele origin: not applicable. Functional consequence: retained intron. Not counted in ClinVar's aggregate classification.

NM_024596.5(MCPH1):c.233+128T>A

Gene: MCPH1 (microcephalin 1; plus strand). Cytogenetic location: 8p23.1.
Variant type: single nucleotide variant.
Coding change: c.233+128T>A on transcript NM_024596.5 (MANE Select); 128 bases into the intron after coding-DNA position 233, T replaced by A.
Molecular consequence: intron variant.
Genome position (GRCh38, 1-based): chr8:6,415,011, T>A. VCF-style: chr8-6415011-T-A. GRCh37 (hg19) VCF-style: chr8-6272532-T-A.
Other names: NC_000008.10:g.6272532T>A; c.233+128T>A (NM_001322042.2, NM_001363980.2, NM_001363979.1 and 2 more transcripts); c.227+128T>A (NM_001322043.2); c.131+128T>A (NM_001322045.2).
Identifiers: ClinVar variation 683148 (VCV000683148.3), dbSNP rs2515417, ClinGen allele CA171365187.